The following is an entry in ClinVar:

ClinVar aggregate classification (germline): Pathogenic (1 of 4 stars; one submission).

Submission:

Labcorp Genetics (formerly Invitae), Labcorp
Classification: Pathogenic. Last evaluated: 2024-10-12. Review status: criteria provided, single submitter. Criteria: Invitae Variant Classification Sherloc (09022015). Collection method: clinical testing. Allele origin: germline.
Comment: This sequence change creates a premature translational stop signal (p.Tyr398*) in the CHM gene. It is expected to result in an absent or disrupted protein product. Loss-of-function variants in CHM are known to be pathogenic (PMID: 9067750, 23811034). This variant is not present in population databases (gnomAD no frequency). This premature translational stop signal has been observed in individual(s) with choroideremia (PMID: 22965595). It has also been observed to segregate with disease in related individuals. ClinVar contains an entry for this variant (Variation ID: 1411658). For these reasons, this variant has been classified as Pathogenic.

Literature cited by the submitters: PubMed 9067750; PubMed 23811034; PubMed 22965595.

NM_000390.4(CHM):c.1194T>G (p.Tyr398Ter)

Gene: CHM (CHM Rab escort protein; minus strand). Cytogenetic location: Xq21.2.
Variant type: single nucleotide variant.
Coding change: c.1194T>G on transcript NM_000390.4 (MANE Select); coding-DNA position 1194, T replaced by G.
Protein change: p.Tyr398Ter; replaces tyrosine 398 with a stop codon.
Molecular consequence: nonsense.
Genome position (GRCh38, 1-based): chrX:85,911,311, A>C on the plus strand (T>G on the coding strand, the complement: CHM is on the minus strand). VCF-style: chrX-85911311-A-C. GRCh37 (hg19) VCF-style: chrX-85166316-A-C.
Other names: c.750T>G, p.Tyr250Ter (NM_001320959.1, NM_001362517.1, NM_001362518.2 and 1 more transcripts); short protein forms Y250*, Y398*.
Identifiers: ClinVar variation 1411658 (VCV001411658.6), dbSNP rs1465232657, ClinGen allele CA413790336.